The following is an entry in ClinVar:

ClinVar aggregate classification (germline): Uncertain significance (1 of 4 stars; one submission).

Conditions:
Carnitine acylcarnitine translocase deficiency (CACTD). Identifiers: Orphanet 159, MedGen C0342791, MONDO:0008918, OMIM 212138.

Allele frequency attached by ClinVar (database versions not stated): TOPMed 0.00001.

Submission:

Labcorp Genetics (formerly Invitae), Labcorp
Classification: Uncertain significance for Carnitine acylcarnitine translocase deficiency. Last evaluated: 2021-08-28. Review status: criteria provided, single submitter. Criteria: Invitae Variant Classification Sherloc (09022015). Collection method: clinical testing. Allele origin: germline.
Comment: This sequence change replaces lysine with glutamine at codon 170 of the SLC25A20 protein (p.Lys170Gln). The lysine residue is highly conserved and there is a small physicochemical difference between lysine and glutamine. This variant is not present in population databases (ExAC no frequency). This variant has not been reported in the literature in individuals affected with SLC25A20-related conditions. Algorithms developed to predict the effect of missense changes on protein structure and function are either unavailable or do not agree on the potential impact of this missense change (SIFT: "Deleterious"; PolyPhen-2: "Possibly Damaging"; Align-GVGD: "Class C0"). In summary, the available evidence is currently insufficient to determine the role of this variant in disease. Therefore, it has been classified as a Variant of Uncertain Significance.

NM_000387.6(SLC25A20):c.508A>C (p.Lys170Gln)

Gene: SLC25A20 (solute carrier family 25 member 20; minus strand). Cytogenetic location: 3p21.31.
Variant type: single nucleotide variant.
Coding change: c.508A>C on transcript NM_000387.6 (MANE Select); coding-DNA position 508, A replaced by C.
Protein change: p.Lys170Gln; replaces lysine 170 with glutamine.
Molecular consequence: missense variant.
Genome position (GRCh38, 1-based): chr3:48,862,569, T>G on the plus strand (A>C on the coding strand, the complement: SLC25A20 is on the minus strand). VCF-style: chr3-48862569-T-G. GRCh37 (hg19) VCF-style: chr3-48900002-T-G.
Other names: short protein forms K170Q.
Identifiers: ClinVar variation 1462857 (VCV001462857.5), dbSNP rs1030639285, ClinGen allele CA73982547.